The following is an entry in ClinVar:

ClinVar aggregate classification (germline): Conflicting classifications of pathogenicity. Review status: criteria provided, conflicting classifications (1 of 4 stars). 2 submissions from 2 submitters: Uncertain significance (1); Likely benign (1). Last evaluated 2025-11-18.

Conditions:
Inborn genetic diseases. Identifiers: MedGen C0950123, MeSH D030342.

Allele frequency attached by ClinVar (database versions not stated): ExAC 0.00001; gnomAD exomes 0.00001; gnomAD 0.00003.
gnomAD v4.1: 17 of 1,613,570 alleles (0.0011%); highest among the groups gnomAD compares: African/African-American, 0.0027%; no homozygotes.

Submissions (2):

Labcorp Genetics (formerly Invitae), Labcorp
Classification: Uncertain significance. Last evaluated: 2025-11-18. Review status: criteria provided, single submitter. Criteria: Invitae Variant Classification Sherloc (09022015). Collection method: clinical testing. Allele origin: germline.
Comment: This sequence change replaces isoleucine, which is neutral and non-polar, with valine, which is neutral and non-polar, at codon 590 of the KMT2A protein (p.Ile590Val). This variant is present in population databases (rs782503325, gnomAD 0.002%). This variant has not been reported in the literature in individuals affected with KMT2A-related conditions. ClinVar contains an entry for this variant (Variation ID: 2729116). Invitae Evidence Modeling of protein sequence and biophysical properties (such as structural, functional, and spatial information, amino acid conservation, physicochemical variation, residue mobility, and thermodynamic stability) indicates that this missense variant is not expected to disrupt KMT2A protein function with a negative predictive value of 95%. In summary, the available evidence is currently insufficient to determine the role of this variant in disease. Therefore, it has been classified as a Variant of Uncertain Significance.

Ambry Genetics
Classification: Likely benign for Inborn genetic diseases. Last evaluated: 2025-04-11. Review status: criteria provided, single submitter. Criteria: Ambry Variant Classification Scheme 2023. Collection method: clinical testing. Allele origin: germline.

NM_001197104.2(KMT2A):c.1768A>G (p.Ile590Val)

Gene: KMT2A (lysine methyltransferase 2A; plus strand). Cytogenetic location: 11q23.3.
Variant type: single nucleotide variant.
Coding change: c.1768A>G on transcript NM_001197104.2 (MANE Select); coding-DNA position 1768, A replaced by G.
Protein change: p.Ile590Val; replaces isoleucine 590 with valine.
Molecular consequence: missense variant.
Genome position (GRCh38, 1-based): chr11:118,472,927, A>G. VCF-style: chr11-118472927-A-G. GRCh37 (hg19) VCF-style: chr11-118343642-A-G.
Other names: c.1867A>G, p.Ile623Val (NM_001412597.1); c.1768A>G, p.Ile590Val (NM_005933.4); short protein forms I590V, I623V.
Identifiers: ClinVar variation 2729116 (VCV002729116.4), dbSNP rs782503325, ClinGen allele CA6303443.